The following is an entry in ClinVar:

NM_001772.4(CD33):c.713_731del (p.Pro238fs)

Gene: CD33 (CD33 molecule; plus strand). Cytogenetic location: 19q13.41.
Variant type: Deletion.
Coding change: c.713_731del on transcript NM_001772.4 (MANE Select); coding-DNA positions 713 to 731, 19 bases deleted (CAACAACTGGTATCTTTCC).
Protein change: p.Pro238fs; shifts the reading frame from proline 238.
Molecular consequence: frameshift variant.
Genome position (GRCh38, 1-based): chr19:51,226,324-51,226,342, CAACAACTGGTATCTTTCC deleted; deleting any 19 consecutive bases within chr19:51,226,322-51,226,342 gives the same sequence; the c. name uses the placement nearest the transcript's 3' end. VCF-style (leftmost placement, unchanged base first): chr19-51226321-ACCCAACAACTGGTATCTTT-A. GRCh37 (hg19) VCF-style: chr19-51729577-ACCCAACAACTGGTATCTTT-A.
Other names: NC_000019.9:g.51729580_51729598del; c.332_350del, p.Pro111fs (NM_001082618.2); c.713_731del, p.Pro238fs (NM_001177608.2); short protein forms P111fs, P238fs.
Identifiers: ClinVar variation 3056025 (VCV003056025.3), dbSNP rs201473304, ClinGen allele CA9609738.
Genomic context (GRCh38, chr19:51,226,321, plus strand): 5'-ATCTCATCTCTACCCCCAACTGAAGGAAATCCTCTCTTCCTCTCCTAGATGTTCCACAGA[ACCCAACAACTGGTATCTTT>A]CCAGGAGATGGCTCAGGTAGGAAGGAGCCTCCCCGCCTGGGGCTGTTACTGACATTGAGT-3'

ClinVar aggregate classification (germline): Likely benign (0 of 4 stars; one submission).

Conditions:
CD33-related disorder. Also called: CD33-related condition.

Submissions (15):

PreventionGenetics, part of Exact Sciences
Classification: Likely benign for CD33-related condition. Last evaluated: 2024-09-19. Review status: no assertion criteria provided. Collection method: clinical testing. Allele origin: germline.
Comment: This variant is classified as likely benign based on ACMG/AMP sequence variant interpretation guidelines (Richards et al. 2015 PMID: 25741868, with internal and published modifications).

Dr. Peter K. Rogan Lab, Western University
No classification provided (evidence only). Condition: Familial cancer of breast. Review status: no classification provided. Collection method: in vitro. Allele origin: not applicable. Functional consequence: skipped exon. Not counted in ClinVar's aggregate classification.

Dr. Peter K. Rogan Lab, Western University
No classification provided (evidence only). Condition: Malignant lymphoma, large B-cell, diffuse. Review status: no classification provided. Collection method: in vitro. Allele origin: not applicable. Functional consequence: skipped exon. Not counted in ClinVar's aggregate classification.

Dr. Peter K. Rogan Lab, Western University
No classification provided (evidence only). Condition: Clear cell carcinoma of kidney. Review status: no classification provided. Collection method: in vitro. Allele origin: not applicable. Functional consequence: skipped exon. Not counted in ClinVar's aggregate classification.

Dr. Peter K. Rogan Lab, Western University
No classification provided (evidence only). Condition: Papillary renal cell carcinoma type 1. Review status: no classification provided. Collection method: in vitro. Allele origin: not applicable. Functional consequence: skipped exon, retained intron. Not counted in ClinVar's aggregate classification.

Dr. Peter K. Rogan Lab, Western University
No classification provided (evidence only). Condition: Hepatocellular carcinoma. Review status: no classification provided. Collection method: in vitro. Allele origin: not applicable. Functional consequence: skipped exon. Not counted in ClinVar's aggregate classification.

Dr. Peter K. Rogan Lab, Western University
No classification provided (evidence only). Condition: Hepatocellular carcinoma. Review status: no classification provided. Collection method: in vitro. Allele origin: not applicable. Functional consequence: skipped exon. Not counted in ClinVar's aggregate classification.

Dr. Peter K. Rogan Lab, Western University
No classification provided (evidence only). Condition: Hepatocellular carcinoma. Review status: no classification provided. Collection method: in vitro. Allele origin: not applicable. Functional consequence: skipped exon. Not counted in ClinVar's aggregate classification.

Dr. Peter K. Rogan Lab, Western University
No classification provided (evidence only). Condition: Melanoma. Review status: no classification provided. Collection method: in vitro. Allele origin: not applicable. Functional consequence: skipped exon. Not counted in ClinVar's aggregate classification.

Dr. Peter K. Rogan Lab, Western University
No classification provided (evidence only). Condition: Gastric cancer. Review status: no classification provided. Collection method: in vitro. Allele origin: not applicable. Functional consequence: retained intron. Not counted in ClinVar's aggregate classification.

Dr. Peter K. Rogan Lab, Western University
No classification provided (evidence only). Condition: Gastric cancer. Review status: no classification provided. Collection method: in vitro. Allele origin: not applicable. Functional consequence: skipped exon. Not counted in ClinVar's aggregate classification.

Dr. Peter K. Rogan Lab, Western University
No classification provided (evidence only). Condition: Gastric cancer. Review status: no classification provided. Collection method: in vitro. Allele origin: not applicable. Functional consequence: skipped exon. Not counted in ClinVar's aggregate classification.

Dr. Peter K. Rogan Lab, Western University
No classification provided (evidence only). Condition: Gastric cancer. Review status: no classification provided. Collection method: in vitro. Allele origin: not applicable. Functional consequence: skipped exon. Not counted in ClinVar's aggregate classification.

Dr. Peter K. Rogan Lab, Western University
No classification provided (evidence only). Condition: Malignant tumor of esophagus. Review status: no classification provided. Collection method: in vitro. Allele origin: not applicable. Functional consequence: skipped exon. Not counted in ClinVar's aggregate classification.

Dr. Peter K. Rogan Lab, Western University
No classification provided (evidence only). Condition: Malignant tumor of esophagus. Review status: no classification provided. Collection method: in vitro. Allele origin: not applicable. Functional consequence: skipped exon. Not counted in ClinVar's aggregate classification.